The following is an entry in ClinVar:

NM_017654.4(SAMD9):c.1682_1691del (p.Cys561fs)

Gene: SAMD9 (sterile alpha motif domain containing 9; minus strand). Cytogenetic location: 7q21.2.
Variant type: Deletion.
Coding change: c.1682_1691del on transcript NM_017654.4 (MANE Select); coding-DNA positions 1682 to 1691, 10 bases deleted (GTGCTTTCTA; older notation c.1682_1691delGTGCTTTCTA).
Protein change: p.Cys561fs; shifts the reading frame from cysteine 561.
Molecular consequence: frameshift variant.
Genome position (GRCh38, 1-based): chr7:93,104,407-93,104,416, TAGAAAGCAC deleted on the plus strand (GTGCTTTCTA on the coding strand, the reverse complement: SAMD9 is on the minus strand). VCF-style (leftmost placement, unchanged base first): chr7-93104406-GTAGAAAGCAC-G. GRCh37 (hg19) VCF-style: chr7-92733719-GTAGAAAGCAC-G.
Other names: c.1682_1691del, p.Cys561fs (NM_001193307.2); short protein forms C561fs.
Identifiers: ClinVar variation 2756069 (VCV002756069.3), dbSNP rs2535360048, ClinGen allele CA2697557410.

ClinVar aggregate classification (germline): Uncertain significance (1 of 4 stars; one submission).

Submission:

Labcorp Genetics (formerly Invitae), Labcorp
Classification: Uncertain significance. Last evaluated: 2023-08-28. Review status: criteria provided, single submitter. Criteria: Invitae Variant Classification Sherloc (09022015). Collection method: clinical testing. Allele origin: germline.
Comment: This sequence change creates a premature translational stop signal (p.Cys561Serfs*31) in the SAMD9 gene. While this is not anticipated to result in nonsense mediated decay, it is expected to disrupt the last 1029 amino acid(s) of the SAMD9 protein. This variant is not present in population databases (gnomAD no frequency). This variant has not been reported in the literature in individuals affected with SAMD9-related conditions. In summary, the available evidence is currently insufficient to determine the role of this variant in disease. Therefore, it has been classified as a Variant of Uncertain Significance.